The following is an entry in ClinVar:

ClinVar aggregate classification (germline): Uncertain significance (1 of 4 stars; one submission).

Conditions:
Chilton-Okur-Chung neurodevelopmental syndrome (CHOCNS). Identifiers: MedGen C5677022, MONDO:0859239, OMIM 619841.

Submission:

Dasa
Classification: Uncertain significance for Chilton-Okur-Chung neurodevelopmental syndrome. Last evaluated: 2026-04-07. Review status: criteria provided, single submitter. Criteria: DASA Assertion Criteria. Collection method: clinical testing. Allele origin: germline.
Comment: NM_006035.4(CDC42BPB):c.1570T>G (p.Ser524Ala) is a missense variant that results in the substitution of serine with alanine. This variant is absent from population databases. The currently available literature and clinical evidence are not sufficient to establish a definitive association between this variant and the reported condition. Therefore, this variant is classified as a variant of uncertain significance.

NM_006035.4(CDC42BPB):c.1570T>G (p.Ser524Ala)

Gene: CDC42BPB (CDC42 binding protein kinase beta; minus strand). Cytogenetic location: 14q32.32.
Variant type: single nucleotide variant.
Coding change: c.1570T>G on transcript NM_006035.4 (MANE Select); coding-DNA position 1570, T replaced by G.
Protein change: p.Ser524Ala; replaces serine 524 with alanine.
Molecular consequence: missense variant.
Genome position (GRCh38, 1-based): chr14:102,974,087, A>C on the plus strand (T>G on the coding strand, the complement: CDC42BPB is on the minus strand). VCF-style: chr14-102974087-A-C. GRCh37 (hg19) VCF-style: chr14-103440424-A-C.
Other names: c.1570T>G, p.Ser524Ala (NM_001411054.1); short protein forms S524A.
Identifiers: ClinVar variation 4882944 (VCV004882944.2).
Genomic context (GRCh38, chr14:102,974,087, plus strand): 5'-CCTCCTTCTCCTGCCGGACCACGCGGTGCTGCTTCTCCAGCCCCCGCAGCCGCTGCGTGG[A>C]GTCCTCACGCTCTTGGCGAAGCGCCACTGTGTCCTCAAGCTGTCGCTCGAGCCTGTTTGA-3'
Protein context (NP_006026.3, residues 514-534): TVALRQERED[Ser524Ala]TQRLRGLEKQ